The following is an entry in ClinVar:

ClinVar aggregate classification (germline): Likely pathogenic (1 of 4 stars; one submission).

Conditions:
Dilated cardiomyopathy 1G (CMD1G). Identifiers: Orphanet 154, MedGen C1858763, MONDO:0011400, OMIM 604145.

Submission:

Victorian Clinical Genetics Services, Murdoch Childrens Research Institute
Classification: Likely pathogenic for Dilated cardiomyopathy 1G. Last evaluated: 2025-11-12. Review status: criteria provided, single submitter. Criteria: ACMG Guidelines, 2015. Collection method: clinical testing. Allele origin: germline. Affected: yes.
Comment: This variant is classified as Likely pathogenic. Evidence in support of pathogenic classification: Variant is predicted to cause nonsense-mediated decay (NMD) and loss of protein (premature termination codon is located at least 54 nucleotides upstream of the final exon-exon junction); Variant is absent from gnomAD (v2, v3 and v4); Other NMD-predicted variants comparable to the one identified in this case have strong previous evidence for pathogenicity (ClinVar). Additional information: This variant is heterozygous; This gene is associated with both recessive and dominant disease (OMIM); This variant has no previous evidence of pathogenicity; No published evidence of segregation with disease has been identified for this variant; No published functional evidence has been identified for this variant; Variant is located in the A-band with an exon PSI score of 100% (PMID: 25589632); Loss of function is known mechanism of disease in this gene. In addition, dominant negative is also a suggested mechanism. (PMID: 25589632); The condition associated with this gene has incomplete penetrance. Variants in this gene that result in a premature termination codon (PTC) are known to have reduced penetrance in DCM (PMID: 25589632); Inheritance information for this variant is not currently available in this individual.

Literature cited by the submitters: PubMed 25589632.

NM_001267550.2(TTN):c.86190_86191insTAAAAAAAAAG (p.Val28731Ter)

Genes: TTN-AS1 (TTN antisense RNA 1; plus strand), TTN (titin; minus strand). Cytogenetic location: 2q31.2.
Variant type: Insertion.
Coding change: c.86190_86191insTAAAAAAAAAG on transcript NM_001267550.2 (MANE Select); coding-DNA positions 86190 to 86191, TAAAAAAAAAG inserted.
Protein change: p.Val28731Ter; replaces valine 28731 with a stop codon.
Molecular consequence: nonsense. On other transcripts: frameshift variant (1).
Genome position: GRCh38 VCF-style: chr2-178559941-C-CCTTTTTTTTTA. GRCh37 (hg19) VCF-style: chr2-179424668-C-CCTTTTTTTTTA.
Other names: c.86190_86191insTAAAAAAAAAG (NM_001267550.1); c.81267_81268insTAAAAAAAAAG, p.Val27090Ter (NM_001256850.1); c.58995_58996insTAAAAAAAAAG, p.Val19666Ter (NM_003319.4); c.78486_78487insTAAAAAAAAAG, p.Val26163Ter (NM_133378.4); c.59370_59371insTAAAAAAAAAG, p.Val19791Ter (NM_133432.3); c.59571_59572insTAAAAAAAAAG, p.Val19858Ter (NM_133437.4); short protein forms V19666*, V19791*, V19858*, V26163*, V27090*, V28731*.
Identifiers: ClinVar variation 3376592 (VCV003376592.2).